The following is an entry in ClinVar:

ClinVar aggregate classification (germline): Likely benign (1 of 4 stars; one submission).

Conditions:
MYH7B-related disorder. Also called: MYH7B-related condition.

gnomAD v4.1: 101 of 1,611,560 alleles (0.0063%); highest among the groups gnomAD compares: Admixed American, 0.11%; no homozygotes.

Submission:

PreventionGenetics, part of Exact Sciences
Classification: Likely benign for MYH7B-related condition. Last evaluated: 2025-12-02. Review status: criteria provided, single submitter. Criteria: ACMG Guidelines, 2015. Collection method: clinical testing. Allele origin: germline.
Comment: This variant is classified as likely benign based on ACMG/AMP sequence variant interpretation guidelines (Richards et al. 2015 PMID: 25741868, with internal and published modifications).

NM_020884.7(MYH7B):c.591C>T (p.Val197=)

Gene: MYH7B (myosin heavy chain 7B; plus strand). Cytogenetic location: 20q11.22.
Variant type: single nucleotide variant.
Coding change: c.591C>T on transcript NM_020884.7 (MANE Select); coding-DNA position 591, C replaced by T.
Protein change: p.Val197=; no amino-acid change (valine 197 retained).
Molecular consequence: synonymous variant.
Genome position (GRCh38, 1-based): chr20:34,982,522, C>T. VCF-style: chr20-34982522-C-T. GRCh37 (hg19) VCF-style: chr20-33570325-C-T.
Identifiers: ClinVar variation 4980604 (VCV004980604.1).